The following is an entry in ClinVar:

ClinVar aggregate classification (germline): Uncertain significance (1 of 4 stars; one submission).

Conditions:
Left ventricular noncompaction 1 (LVNC1). Also called: LEFT VENTRICULAR NONCOMPACTION 1 WITH OR WITHOUT CONGENITAL HEART DEFECTS. Identifiers: Orphanet 54260, MedGen C1858725, MONDO:0011403, OMIM 604169.

Submission:

Labcorp Genetics (formerly Invitae), Labcorp
Classification: Uncertain significance for Left ventricular noncompaction 1. Last evaluated: 2023-04-06. Review status: criteria provided, single submitter. Criteria: Invitae Variant Classification Sherloc (09022015). Collection method: clinical testing. Allele origin: germline.
Comment: This variant has not been reported in the literature in individuals affected with DTNA-related conditions. This sequence change falls in intron 9 of the DTNA gene. It does not directly change the encoded amino acid sequence of the DTNA protein. It affects a nucleotide within the consensus splice site. This variant is not present in population databases (gnomAD no frequency). Variants that disrupt the consensus splice site are a relatively common cause of aberrant splicing (PMID: 17576681, 9536098). Algorithms developed to predict the effect of sequence changes on RNA splicing suggest that this variant is not likely to affect RNA splicing. In summary, the available evidence is currently insufficient to determine the role of this variant in disease. Therefore, it has been classified as a Variant of Uncertain Significance.

Literature cited by the submitters: PubMed 17576681; PubMed 9536098.

NM_001386795.1(DTNA):c.1002-2312T>C

Gene: DTNA (dystrobrevin alpha; plus strand). Cytogenetic location: 18q12.1.
Variant type: single nucleotide variant.
Coding change: c.1002-2312T>C on transcript NM_001386795.1 (MANE Select); 2312 bases into the intron before coding-DNA position 1002, T replaced by C.
Molecular consequence: intron variant.
Genome position (GRCh38, 1-based): chr18:34,825,281, T>C. VCF-style: chr18-34825281-T-C. GRCh37 (hg19) VCF-style: chr18-32405245-T-C.
Other names: c.1010+6T>C (NM_032975.4, NM_001386761.1, NM_001386762.1 and 5 more transcripts); c.1002-2312T>C (NM_001386754.1, NM_001386755.1, NM_001386760.1 and 26 more transcripts); c.603+13168T>C (NM_001198945.2); c.252-2312T>C (NM_001198943.1); c.48-2312T>C (NM_001198942.1, NM_001198944.1, NM_032980.4 and 1 more transcripts).
Identifiers: ClinVar variation 2852185 (VCV002852185.3), dbSNP rs2518432201, ClinGen allele CA2739268647.
Genomic context (GRCh38, chr18:34,825,281, plus strand): 5'-CCATGATTAACGGTCTCTATTCTGTTCAATTCTTCGCTGCCAAAAGTGATACTTGGTAAG[T>C]AGTGCAGTCATTTCCAGTCTACTTACAAAGATGTATAATCATGATCATAAGTGGGGATGA-3'